The following is an entry in ClinVar:

NM_012179.4(FBXO7):c.1A>G (p.Met1Val)

Gene: FBXO7 (F-box protein 7; plus strand). Cytogenetic location: 22q12.3.
Variant type: single nucleotide variant.
Coding change: c.1A>G on transcript NM_012179.4 (MANE Select); coding-DNA position 1, A replaced by G.
Protein change: p.Met1Val; changes the start codon (methionine 1).
Molecular consequence: missense variant, initiator codon variant.
Genome position (GRCh38, 1-based): chr22:32,475,003, A>G. VCF-style: chr22-32475003-A-G. GRCh37 (hg19) VCF-style: chr22-32870990-A-G.
Other names: short protein forms M1V.
Identifiers: ClinVar variation 2751170 (VCV002751170.3), dbSNP rs753392528, ClinGen allele CA411329793.

ClinVar aggregate classification (germline): Pathogenic (1 of 4 stars; one submission).

Conditions:
Parkinsonian-pyramidal syndrome. Also called: PARKINSON DISEASE 15, AUTOSOMAL RECESSIVE; PARKINSON DISEASE 15, AUTOSOMAL RECESSIVE EARLY-ONSET; PALLIDOPYRAMIDAL SYNDROME. Identifiers: Orphanet 171695, MedGen C1850100, MONDO:0009830, OMIM 260300.

Submission:

Labcorp Genetics (formerly Invitae), Labcorp
Classification: Pathogenic for Parkinsonian-pyramidal syndrome. Last evaluated: 2023-08-08. Review status: criteria provided, single submitter. Criteria: Invitae Variant Classification Sherloc (09022015). Collection method: clinical testing. Allele origin: germline.
Comment: This sequence change affects the initiator methionine of the FBXO7 mRNA. The next in-frame methionine is located at codon 115. For these reasons, this variant has been classified as Pathogenic. This variant disrupts a region of the FBXO7 protein in which other variant(s) (p.Thr22Met) have been determined to be pathogenic (PMID: 19038853, 21347293, 23933751, 26310625). This suggests that this is a clinically significant region of the protein, and that variants that disrupt it are likely to be disease-causing. This variant has not been reported in the literature in individuals affected with FBXO7-related conditions. This variant is not present in population databases (gnomAD no frequency).

Literature cited by the submitters: PubMed 19038853; PubMed 21347293; PubMed 23933751; PubMed 26310625.